The following is an entry in ClinVar:

ClinVar aggregate classification (germline): Uncertain significance (1 of 4 stars; one submission).

Conditions:
Nephronophthisis 20 (NPHP20). Identifiers: MedGen C4310640, MONDO:0014997, OMIM 617271.

gnomAD v4.1: 11 of 1,614,152 alleles (0.00068%); highest among the groups gnomAD compares: South Asian, 0.0099%; no homozygotes.

Submission:

Neuberg Centre For Genomic Medicine, NCGM
Classification: Uncertain significance for Nephronophthisis 20. Review status: criteria provided, single submitter. Criteria: ACMG Guidelines, 2015. Collection method: clinical testing. Allele origin: germline. Inheritance: Autosomal recessive inheritance. Affected: yes.
Comment: The observed missense variant c.2402C>Tp.Ala801Val in the MAPKBP1 gene has not been reported previously as a pathogenic variant nor as a benign variant, to our knowledge. This variant is reported with the allele frequency 0.002% in the gnomAD Exomes. The amino acid Ala at position 801 is changed to a Val changing protein sequence and it might alter its composition and physico-chemical properties. Multiple lines of computational evidence Polyphen - Benign, SIFT - Tolerated and MutationTaster - Polymorphism predict no damaging effect on protein structure and function for this variant. The residue is conserved by GERP++ and PhyloP across 100 vertebrates. For these reasons, this variant has been classified as Uncertain Significance.

NM_014994.3(MAPKBP1):c.2402C>T (p.Ala801Val)

Gene: MAPKBP1 (mitogen-activated protein kinase binding protein 1; plus strand). Cytogenetic location: 15q15.1.
Variant type: single nucleotide variant.
Coding change: c.2402C>T on transcript NM_014994.3 (MANE Select); coding-DNA position 2402, C replaced by T.
Protein change: p.Ala801Val; replaces alanine 801 with valine.
Molecular consequence: missense variant. On other transcripts: non-coding transcript variant (2).
Genome position (GRCh38, 1-based): chr15:41,819,356, C>T. VCF-style: chr15-41819356-C-T. GRCh37 (hg19) VCF-style: chr15-42111554-C-T.
Other names: c.2420C>T, p.Ala807Val (NM_001128608.2); c.2402C>T, p.Ala801Val (NM_001265611.2); short protein forms A801V, A807V.
Identifiers: ClinVar variation 3393416 (VCV003393416.1).
Genomic context (GRCh38, chr15:41,819,356, plus strand): 5'-GTGACAAGGAGGGAGAAGATGAGGGGACTGAAGAAGAACTTCCAGCACTGCCCGTCCTTG[C>T]CAAGAGTACCAAGAAGGCACTGGGTCTGTGGCAGTTGGGTGTGGGGGCAGACAGGCCCTA-3'
Protein context (NP_055809.2, residues 791-811): EEELPALPVL[Ala801Val]KSTKKALASV